The following continues an entry in ClinVar:

NM_206937.2(LIG4):c.1271_1275del (p.Lys424fs)

Gene: LIG4. ClinVar aggregate classification (germline): Pathogenic. Pathogenic (18).

Submissions 13 to 19 of 19:

Center for Genomics, Ann and Robert H. Lurie Children's Hospital of Chicago
Classification: Pathogenic for DNA ligase IV deficiency. Last evaluated: 2018-05-18. Review status: criteria provided, single submitter. Criteria: ACMG Guidelines, 2015. Collection method: clinical testing. Allele origin: germline.
Comment: LIG4 NM_002312.3 exon 2 p.Lys424Argfs*20 (c.1271_1275del): This variant has been reported as compound heterozygous in the literature in at least 11 individuals with features of LIG4 syndrome (most commonly immunodeficiency and failure to thrive), segregating with disease in at least 3 affected family members (Buck 2006 PMID:16358361, Enders 2006 PMID:16585603, Murray 2014 PMID:24123394, Cifaldi 2016 PMID:27893162, Jiang 2016 PMID:26762768, Walne 2016 PMID:27612988). This variant is present in 27/126568 European alleles in the Genome Aggregation Database. Please note, disease causing variants may be present in control databases at low frequencies, reflective of the general population and/or variable expressivity. This variant is present in ClinVar, with several labs classifying this variant as pathogenic (Variation ID:279838). Evolutionary conservation and computational predictive tools for this variant are limited or unavailable. Of note, functional studies suggest that this variant may result in increased sensitivity to radiation (Buck 2006 PMID:16358361, Enders 2006 PMID:16585603, Murray 2014 PMID:24123394, Cifaldi 2016 PMID:27893162). This variant represents a deletion of 5 nucelotides and creates a premature stop codon 20 amino acids downstream from this location which results in an absent or abnormal protein. Loss of function variants have been reported in association with disease for this gene. In summary, this variant is classified as pathogenic.

Genomic Research Center, Shahid Beheshti University of Medical Sciences
Classification: Pathogenic for LIG4-related disorder. Last evaluated: 2017-12-18. Review status: criteria provided, single submitter. Criteria: ACMG Guidelines, 2015. Collection method: clinical testing. Allele origin: inherited.

Illumina Laboratory Services, Illumina
Classification: Pathogenic for LIG4-Related Disorders. Last evaluated: 2017-04-28. Review status: criteria provided, single submitter. Criteria: ICSL Variant Classification Criteria 09 May 2019. Collection method: clinical testing. Allele origin: germline.
Comment: The LIG4 c.1271_1275delAAAGA (p.Lys424ArgfsTer20) variant results in a frameshift and is predicted to result in premature termination of the protein. The p.Lys424ArgfsTer20 variant has been reported in five studies in which it is found in a compound heterozygous state in 14 individuals with LIG4-related disorders from 11 unrelated families (Buck et al. 2006; Enders et al. 2006; Murray et al. 2014; Jiang et al. 2016; Walne et al. 2016). In all cases, the p.Lys424ArgfsTer20 variant was inherited from a healthy heterozygous parent. Two of these patients were diagnosed with dyskeratosis congenita; the authors state that clinical symptoms in these patients had substantial overlap with LIG4 syndrome (Walne et al. 2016). Control data are unavailable for this variant, which is reported at a frequency of 0.00029 in the African population of the Exome Aggregation Consortium. Buck et al. (2006) showed that Lig4 protein expression in fibroblasts from one patient was significantly reduced compared to wild type, and a cell survival assay in fibroblasts from a second patient showed increased sensitivity to ionizing radiation. Based on the evidence and potential impact of frameshift variants, the p.Lys424ArgfsTer20 is classified as pathogenic for LIG4-related disorders. This variant was observed by ICSL as part of a predisposition screen in an ostensibly healthy population.

Center for Genomics, Ann and Robert H. Lurie Children's Hospital of Chicago
Classification: Pathogenic for DNA ligase IV deficiency; Multiple myeloma. Review status: criteria provided, single submitter. Criteria: ACMG Guidelines, 2015. Collection method: clinical testing. Allele origin: germline.
Comment: the same text as in the submission from Center for Genomics, Ann and Robert H. Lurie Children's Hospital of Chicago above.

Child Neurology Department, Hôpital Universitaire de Bruxelles
Classification: Pathogenic for DNA ligase IV deficiency. Review status: criteria provided, single submitter. Criteria: ACMG Guidelines, 2015. Collection method: clinical testing. Allele origin: paternal. Affected: yes.

Juno Genomics, Hangzhou Juno Genomics, Inc
Classification: Pathogenic for Multiple myeloma; DNA ligase IV deficiency. Review status: criteria provided, single submitter. Criteria: ACMG Guidelines, 2015. Collection method: clinical testing. Allele origin: germline.
Comment: Absent from controls (or at extremely low frequency if recessive) in Genome Aggregation Database.;Null variant in a gene where loss of function (LOF) is a known mechanism of disease.;For recessive disorders, detected in trans with a pathogenic variant.;Co-segregation with disease in multiple affected family members.

PreventionGenetics, part of Exact Sciences
Classification: Pathogenic for LIG4-related condition. Last evaluated: 2024-09-05. Review status: no assertion criteria provided. Collection method: clinical testing. Allele origin: germline. Not counted in ClinVar's aggregate classification.
Comment: The LIG4 c.1271_1275del5 variant is predicted to result in a frameshift and premature protein termination (p.Lys424Argfs*20). This variant has been reported in the compound heterozygous state in multiple individuals with clinical features of LIG4 syndrome and segregates with disease in several families (Buck et al. 2006. PubMed ID: 16358361; Walne et al. 2016. PubMed ID: 27612988; Cifaldi et al. 2017. PubMed ID: 27893162; Staines Boone et al. 2018. PubMed ID: 30719430; Bluteau et al. 2018. PubMed ID: 29146883; Duerinckx et al. 2020. PubMed ID: 31696992). This variant is reported in 0.024% of alleles in individuals of African descent in gnomAD. Frameshift variants in LIG4 are expected to be pathogenic. This variant is interpreted as pathogenic.

Literature cited by the submitters: PubMed 16358361 (cited by 4 submitters); PubMed 16358631 (cited by Labcorp Genetics (formerly Invitae), Labcorp); PubMed 24123394 (cited by 5 submitters); PubMed 27612988 (cited by 4 submitters); PubMed 27893162 (cited by 3 submitters); PubMed 29146883 (cited by Labcorp Genetics (formerly Invitae), Labcorp and Mayo Clinic Laboratories, Mayo Clinic); PubMed 30719430 (cited by Dasa); PubMed 36221079 (cited by Dasa); PubMed 32471509 (cited by Dasa); PubMed 26762768 (cited by Dasa and Illumina Laboratory Services, Illumina); PubMed 16585603 (cited by Illumina Laboratory Services, Illumina); PubMed 28039949 (cited by Child Neurology Department, Hôpital Universitaire de Bruxelles).